The following is an entry in ClinVar:

NM_000540.3(RYR1):c.5044C>A (p.His1682Asn)

Gene: RYR1 (ryanodine receptor 1; plus strand). Cytogenetic location: 19q13.2.
Variant type: single nucleotide variant.
Coding change: c.5044C>A on transcript NM_000540.3 (MANE Select); coding-DNA position 5044, C replaced by A.
Protein change: p.His1682Asn; replaces histidine 1682 with asparagine.
Molecular consequence: missense variant.
Genome position (GRCh38, 1-based): chr19:38,485,699, C>A. VCF-style: chr19-38485699-C-A. GRCh37 (hg19) VCF-style: chr19-38976339-C-A.
Other names: c.5044C>A, p.His1682Asn (NM_001042723.2); short protein forms H1682N.
Identifiers: ClinVar variation 478236 (VCV000478236.4), dbSNP rs748851710, ClinGen allele CA405653340.

ClinVar aggregate classification (germline): Uncertain significance. Review status: criteria provided, multiple submitters, no conflicts (2 of 4 stars). 2 submissions from 2 submitters: Uncertain significance (2). Last evaluated 2024-07-20.

Conditions:
RYR1-related disorder. Also called: RYR1-related condition; RYR1-related disorders. Identifiers: MedGen CN239331.
Malignant hyperthermia, susceptibility to, 1 (MHS1). Also called: Anesthesia related hyperthermia; Malignant hyperpyrexia; Fulminating hyperpyrexia; Pharmacogenic myopathy; Malignant hyperthermia suceptibility 1; RYR1-Related Malignant Hyperthermia Susceptibility. Identifiers: Orphanet 423, MedGen C2930980, MONDO:0007783, OMIM 145600.

Submissions (2):

All of Us Research Program, National Institutes of Health
Classification: Uncertain significance for Malignant hyperthermia, susceptibility to, 1. Last evaluated: 2024-07-20. Review status: criteria provided, single submitter. Criteria: ACMG Guidelines, 2015. Collection method: clinical testing. Allele origin: germline. Inheritance: Autosomal dominant inheritance. Observed: 2 variant alleles, 2 heterozygotes.
Comment: This missense variant replaces histidine with asparagine at codon 1682 of the RYR1 protein. Computational prediction suggests that this variant may have deleterious impact on protein structure and function (internally defined REVEL score threshold >= 0.7, PMID: 27666373). To our knowledge, functional studies have not been reported for this variant. This variant has not been reported in individuals affected with RYR1-related disorders in the literature. This variant has not been identified in the general population by the Genome Aggregation Database (gnomAD). The available evidence is insufficient to determine the role of this variant in disease conclusively. Therefore, this variant is classified as a Variant of Uncertain Significance.

This study involves interpretation of variants in research participants for the purpose of population health screening. Participant phenotype was not available at the time of variant classification. Additional details can be found in publication PMID: 35346344, PMCID: PMC8962531

Labcorp Genetics (formerly Invitae), Labcorp
Classification: Uncertain significance for RYR1-Related Disorders. Last evaluated: 2018-09-14. Review status: criteria provided, single submitter. Criteria: Invitae Variant Classification Sherloc (09022015). Collection method: clinical testing. Allele origin: germline.
Comment: This sequence change replaces histidine with asparagine at codon 1682 of the RYR1 protein (p.His1682Asn). The histidine residue is moderately conserved and there is a small physicochemical difference between histidine and asparagine. This variant is not present in population databases (ExAC no frequency) and has not been reported in the literature in individuals with a RYR1-related disease. Algorithms developed to predict the effect of missense changes on protein structure and function do not agree on the potential impact of this missense change (SIFT: "Deleterious"; PolyPhen-2: "Benign"; Align-GVGD: "Class C0"). In summary, this variant is a novel missense change with uncertain impact on protein function. It has been classified as a Variant of Uncertain Significance.